The following is an entry in ClinVar:

ClinVar aggregate classification (germline): Pathogenic. Review status: criteria provided, multiple submitters, no conflicts (2 of 4 stars). 4 submissions from 3 submitters: Pathogenic (2). 2 of the submissions do not count toward it. Last evaluated 2024-09-24.

Conditions:
CDKL5 disorder. Identifiers: MedGen CN296942, MONDO:0100039.
Developmental and epileptic encephalopathy, 2 (DEE2). Also called: INFANTILE SPASM SYNDROME, X-LINKED 2; CDKL5 deficiency disorder. Identifiers: Orphanet 1934, Orphanet 3451, Orphanet 505652, MedGen C4750718, MONDO:0010396, OMIM 300672.
Angelman syndrome-like. Identifiers: MedGen CN128785.
Atypical Rett syndrome. Also called: Rett like syndrome; Variant Rett Syndrome. Identifiers: Orphanet 3095, MedGen C2748910, MONDO:0017746.

Submissions (5):

Centre for Population Genomics, CPG
Classification: Pathogenic for CDKL5 disorder. Last evaluated: 2024-09-24. Review status: criteria provided, single submitter. Criteria: McKnight et al. (Hum Mutat. 2022). Collection method: curation. Allele origin: germline. Inheritance: X-linked inheritance.
Comment: This variant has been collected from RettBASE and curated to current modified ACMG/AMP criteria. Based on the classification scheme defined by the ClinGen Rett/Angelman-like Expert Panel for Rett/AS-like Disorders Specifications to the ACMG/AMP Variant Interpretation Guidelines VCEP 3.0, this variant is classified as pathogenic. At least the following criteria are met: Predicted to result in loss of function, and LOF is a known mechanism of disease (PVS1). This variant is absent from gnomAD v4 (PM2_Supporting). This variant is absent from gnomAD v4 (PM2_Supporting). PubMed: 16199547‚ 22872100‚ 19793311‚ 33436160, ClinVar Variation ID: 156088

Labcorp Genetics (formerly Invitae), Labcorp
Classification: Pathogenic for Developmental and epileptic encephalopathy, 2; Angelman syndrome-like. Last evaluated: 2023-10-22. Review status: criteria provided, single submitter. Criteria: Invitae Variant Classification Sherloc (09022015). Collection method: clinical testing. Allele origin: germline.
Comment: This sequence change affects a donor splice site in intron 7 of the CDKL5 gene. It is expected to disrupt RNA splicing. Variants that disrupt the donor or acceptor splice site typically lead to a loss of protein function (PMID: 16199547), and loss-of-function variants in CDKL5 are known to be pathogenic (PMID: 22872100). This variant is not present in population databases (gnomAD no frequency). Disruption of this splice site has been observed in individual(s) with CDKL5-related conditions (PMID: 19793311, 33436160). In at least one individual the variant was observed to be de novo. This variant is also known as IVS9+1G>A. ClinVar contains an entry for this variant (Variation ID: 156088). Algorithms developed to predict the effect of sequence changes on RNA splicing suggest that this variant may disrupt the consensus splice site. For these reasons, this variant has been classified as Pathogenic.

RettBASE
Classification: Pathogenic for Atypical Rett syndrome. Last evaluated: 2014-03-13. Review status: no assertion criteria provided. Collection method: curation. Allele origin: de novo. Affected: yes. Observed: 1 variant allele. Not counted in ClinVar's aggregate classification.
Comment: Splice site mutation causing skipping of exon 7

Dr. Peter K. Rogan Lab, Western University
No classification provided (evidence only). Condition: Thyroid cancer, nonmedullary, 1. Review status: no classification provided. Collection method: in vitro. Allele origin: not applicable. Functional consequence: retained intron. Not counted in ClinVar's aggregate classification.

RettBASE
No classification provided. Review status: flagged submission. Collection method: not provided. Allele origin: not provided. Not counted in ClinVar's aggregate classification.
ClinVar note: Reason: This record appears to be redundant with a more recent record from the same submitter.
ClinVar note: Notes: SCV000189212 appears to be redundant with SCV000222352.

Literature cited by the submitters: PubMed 16199547 (cited by Labcorp Genetics (formerly Invitae), Labcorp); PubMed 22872100 (cited by Labcorp Genetics (formerly Invitae), Labcorp); PubMed 19793311 (cited by Labcorp Genetics (formerly Invitae), Labcorp and RettBASE); PubMed 33436160 (cited by Labcorp Genetics (formerly Invitae), Labcorp).

NM_001323289.2(CDKL5):c.463+1G>A

Gene: CDKL5 (cyclin dependent kinase like 5; plus strand). Cytogenetic location: Xp22.13.
Variant type: single nucleotide variant.
Coding change: c.463+1G>A on transcript NM_001323289.2 (MANE Select); the canonical splice donor site of the intron after coding-DNA position 463, G replaced by A.
Molecular consequence: splice donor variant.
Genome position (GRCh38, 1-based): chrX:18,581,951, G>A. VCF-style: chrX-18581951-G-A. GRCh37 (hg19) VCF-style: chrX-18600071-G-A.
Other names: c.463+1G>A (NM_003159.3, NM_001037343.2).
Identifiers: ClinVar variation 156088 (VCV000156088.10), dbSNP rs267608479, ClinGen allele CA199404.